The following is an entry in ClinVar:

NM_006922.4(SCN3A):c.5062G>T (p.Asp1688Tyr)

Gene: SCN3A (sodium voltage-gated channel alpha subunit 3; minus strand). Cytogenetic location: 2q24.3.
Variant type: single nucleotide variant.
Coding change: c.5062G>T on transcript NM_006922.4 (MANE Select); coding-DNA position 5062, G replaced by T.
Protein change: p.Asp1688Tyr; replaces aspartic acid 1688 with tyrosine.
Molecular consequence: missense variant.
Genome position (GRCh38, 1-based): chr2:165,091,091, C>A on the plus strand (G>T on the coding strand, the complement: SCN3A is on the minus strand). VCF-style: chr2-165091091-C-A. GRCh37 (hg19) VCF-style: chr2-165947601-C-A.
Other names: c.4915G>T, p.Asp1639Tyr (NM_001081676.2, NM_001081677.2); short protein forms D1688Y, D1639Y.
Identifiers: ClinVar variation 3710109 (VCV003710109.4).
Genomic context (GRCh38, chr2:165,091,091, plus strand): 5'-AGGTTGTAATTTGGAACAAGCAGATCATGCTGTTGCCAAAGGTCTCAAAGTTGAACATGT[C>A]ATCAATTCCAGCTTCCTTTTTAACATAGGCAAAGTTGGACATCCCAAAGATGGCATAGAT-3'
Protein context (NP_008853.3, residues 1678-1698): AYVKKEAGID[Asp1688Tyr]MFNFETFGNS

ClinVar aggregate classification (germline): Uncertain significance. Review status: criteria provided, multiple submitters, no conflicts (2 of 4 stars). 2 submissions from 2 submitters: Uncertain significance (2). Last evaluated 2024-10-17.

Conditions:
Developmental and epileptic encephalopathy, 62. Also called: Early infantile epileptic encephalopathy 62. Identifiers: MedGen C4693699, MONDO:0033371, OMIM 617938.
Epilepsy, familial focal, with variable foci 4 (FFEVF4). Identifiers: MedGen C4693694, MONDO:0054776, OMIM 617935.

gnomAD v4.1: 1 of 1,614,080 alleles (0.000062%); highest among the groups gnomAD compares: East Asian, 0.0022%; no homozygotes.

Submissions (2):

Labcorp Genetics (formerly Invitae), Labcorp
Classification: Uncertain significance. Last evaluated: 2024-10-17. Review status: criteria provided, single submitter. Criteria: Invitae Variant Classification Sherloc (09022015). Collection method: clinical testing. Allele origin: germline.
Comment: This sequence change replaces aspartic acid, which is acidic and polar, with tyrosine, which is neutral and polar, at codon 1688 of the SCN3A protein (p.Asp1688Tyr). This variant is present in population databases (rs182054642, gnomAD 0.01%). This missense change has been observed in individual(s) with febrile seizures (PMID: 33895391). It has also been observed to segregate with disease in related individuals. Invitae Evidence Modeling of protein sequence and biophysical properties (such as structural, functional, and spatial information, amino acid conservation, physicochemical variation, residue mobility, and thermodynamic stability) indicates that this missense variant is expected to disrupt SCN3A protein function with a positive predictive value of 80%. In summary, the available evidence is currently insufficient to determine the role of this variant in disease. Therefore, it has been classified as a Variant of Uncertain Significance.

Juno Genomics, Hangzhou Juno Genomics, Inc
Classification: Uncertain significance for Developmental and epileptic encephalopathy, 62; Epilepsy, familial focal, with variable foci 4. Review status: criteria provided, single submitter. Criteria: ACMG Guidelines, 2015. Collection method: clinical testing. Allele origin: germline.
Comment: Absent from controls (or at extremely low frequency if recessive) in Genome Aggregation Database.;Multiple lines of computational evidence support a deleterious effect on the gene or gene product.

Literature cited by the submitters: PubMed 33895391 (cited by Labcorp Genetics (formerly Invitae), Labcorp).